The following is an entry in ClinVar:

ClinVar aggregate classification (germline): Uncertain significance (1 of 4 stars; one submission).

Conditions:
Gastrointestinal stromal tumor. Also called: Gastrointestinal stromal tumor, somatic; Gastrointestinal stroma tumor. Identifiers: Orphanet 44890, MedGen C0238198, MeSH D046152, MONDO:0011719, OMIM 606764, HP:0100723.

Submission:

Labcorp Genetics (formerly Invitae), Labcorp
Classification: Uncertain significance for Gastrointestinal stromal tumor. Last evaluated: 2023-08-05. Review status: criteria provided, single submitter. Criteria: Invitae Variant Classification Sherloc (09022015). Collection method: clinical testing. Allele origin: germline.
Comment: In summary, the available evidence is currently insufficient to determine the role of this variant in disease. Therefore, it has been classified as a Variant of Uncertain Significance. Variants that disrupt the consensus splice site are a relatively common cause of aberrant splicing (PMID: 17576681, 9536098). Algorithms developed to predict the effect of sequence changes on RNA splicing suggest that this variant is not likely to affect RNA splicing. This variant has not been reported in the literature in individuals affected with PDGFRA-related conditions. This variant is not present in population databases (gnomAD no frequency). This sequence change falls in intron 5 of the PDGFRA gene. It does not directly change the encoded amino acid sequence of the PDGFRA protein. It affects a nucleotide within the consensus splice site.

Literature cited by the submitters: PubMed 17576681; PubMed 9536098.

NM_006206.6(PDGFRA):c.759+4G>C

Gene: PDGFRA (platelet derived growth factor receptor alpha; plus strand). Cytogenetic location: 4q12.
Variant type: single nucleotide variant.
Coding change: c.759+4G>C on transcript NM_006206.6 (MANE Select); 4 bases into the intron after coding-DNA position 759, G replaced by C.
Molecular consequence: intron variant.
Genome position (GRCh38, 1-based): chr4:54,265,053, G>C. VCF-style: chr4-54265053-G-C. GRCh37 (hg19) VCF-style: chr4-55131220-G-C.
Other names: c.834+4G>C (NM_001347828.2); c.759+4G>C (NM_001347827.2, NM_001347829.2); c.798+4G>C (NM_001347830.2).
Identifiers: ClinVar variation 2750389 (VCV002750389.3), dbSNP rs1214530998, ClinGen allele CA2697546711.
Genomic context (GRCh38, chr4:54,265,053, plus strand): 5'-TGTGCTGTTTTTAACAATGAGGTGGTTGACCTTCAATGGACTTACCCTGGAGAAGTGGTA[G>C]GTACCCTCAAAACGTGCAATGGCTTGGAGCAGAGCAACAGGGCTCAGAAGACCTGCATTT-3'